The following is an entry in ClinVar:

ClinVar aggregate classification (germline): Likely benign. Review status: criteria provided, multiple submitters, no conflicts (2 of 4 stars). 2 submissions from 2 submitters: Likely benign (2). Last evaluated 2025-04-01.

Allele frequency attached by ClinVar (database versions not stated): ExAC 0.00044; ESP Exome Variant Server 0.00305.

Submissions (2):

CeGaT Center for Human Genetics Tuebingen
Classification: Likely benign. Last evaluated: 2025-04-01. Review status: criteria provided, single submitter. Criteria: CeGaT Center For Human Genetics Tuebingen Variant Classification Criteria Version 2. Collection method: clinical testing. Allele origin: germline. Affected: yes. Observed: 4 variant alleles.
Comment: VCX3B: BP4, BP7

Ambry Genetics
Classification: Likely benign. Last evaluated: 2023-12-15. Review status: criteria provided, single submitter. Criteria: Ambry Variant Classification Scheme 2023. Collection method: clinical testing. Allele origin: germline.

NM_001001888.4(VCX3B):c.633A>G (p.Glu211=)

Gene: VCX3B (variable charge X-linked 3B; plus strand). Cytogenetic location: Xp22.31.
Variant type: single nucleotide variant.
Coding change: c.633A>G on transcript NM_001001888.4 (MANE Select); coding-DNA position 633, A replaced by G.
Protein change: p.Glu211=; no amino-acid change (glutamic acid 211 retained).
Molecular consequence: synonymous variant.
Genome position (GRCh38, 1-based): chrX:8,466,275, A>G. VCF-style: chrX-8466275-A-G. GRCh37 (hg19) VCF-style: chrX-8434316-A-G.
Other names: c.633A>G (NM_001001888.3).
Identifiers: ClinVar variation 2659941 (VCV002659941.25), dbSNP rs369681806, ClinGen allele CA10343377.